The following is an entry in ClinVar:

NM_003896.4(ST3GAL5):c.332dup (p.Tyr111Ter)

Gene: ST3GAL5 (ST3 beta-galactoside alpha-2,3-sialyltransferase 5; minus strand). Cytogenetic location: 2p11.2.
Variant type: Duplication.
Coding change: c.332dup on transcript NM_003896.4 (MANE Select); coding-DNA position 332, one base duplicated (A; older notation c.332dupA).
Protein change: p.Tyr111Ter; replaces tyrosine 111 with a stop codon.
Molecular consequence: nonsense. On other transcripts: 5 prime UTR variant (7).
Genome position (GRCh38, 1-based): chr2:85,848,191, T duplicated on the plus strand (A on the coding strand, the reverse complement: ST3GAL5 is on the minus strand). VCF-style (leftmost placement, unchanged base first): chr2-85848190-A-AT. GRCh37 (hg19) VCF-style: chr2-86075313-A-AT.
Other names: c.263dup, p.Tyr88Ter (NM_001042437.2); c.-53dup (NM_001354223.2, NM_001354224.2, NM_001354226.2 and 3 more transcripts); c.248dup, p.Tyr83Ter (NM_001354227.2, NM_001354229.2, NM_001354238.1); c.-573dup (NM_001354247.1); c.332dup, p.Tyr111Ter (NM_001363847.1); short protein forms Y111*, Y88*, Y83*.
Identifiers: ClinVar variation 1456729 (VCV001456729.6), dbSNP rs1683047204, ClinGen allele CA1033090052.

ClinVar aggregate classification (germline): Pathogenic (1 of 4 stars; one submission).

Conditions:
GM3 synthase deficiency (SPDRS). Also called: AMISH INFANTILE EPILEPSY SYNDROME; SALT AND PEPPER DEVELOPMENTAL REGRESSION SYNDROME; SALT AND PEPPER MENTAL RETARDATION SYNDROME. Identifiers: Orphanet 171714, Orphanet 370933, MedGen C1836824, MONDO:0018274, OMIM 609056.

Allele frequency attached by ClinVar (database versions not stated): gnomAD exomes below 0.00001; gnomAD 0.00001; TOPMed 0.00001.

Submission:

Labcorp Genetics (formerly Invitae), Labcorp
Classification: Pathogenic for GM3 synthase deficiency. Last evaluated: 2023-04-08. Review status: criteria provided, single submitter. Criteria: Invitae Variant Classification Sherloc (09022015). Collection method: clinical testing. Allele origin: germline.
Comment: This variant has not been reported in the literature in individuals affected with ST3GAL5-related conditions. This variant is not present in population databases (gnomAD no frequency). This sequence change creates a premature translational stop signal (p.Tyr111*) in the ST3GAL5 gene. It is expected to result in an absent or disrupted protein product. Loss-of-function variants in ST3GAL5 are known to be pathogenic (PMID: 15502825, 22990144, 27232954). ClinVar contains an entry for this variant (Variation ID: 1456729). For these reasons, this variant has been classified as Pathogenic.

Literature cited by the submitters: PubMed 15502825; PubMed 22990144; PubMed 27232954.